The following is an entry in ClinVar:

NM_203447.4(DOCK8):c.2971-35C>A

Gene: DOCK8 (dedicator of cytokinesis 8; plus strand). Cytogenetic location: 9p24.3.
Variant type: single nucleotide variant.
Coding change: c.2971-35C>A on transcript NM_203447.4 (MANE Select); 35 bases into the intron before coding-DNA position 2971, C replaced by A.
Molecular consequence: intron variant.
Genome position (GRCh38, 1-based): chr9:396,750, C>A. VCF-style: chr9-396750-C-A. GRCh37 (hg19) VCF-style: chr9-396750-C-A.
Other names: c.2767-35C>A (NM_001193536.2); c.2671-35C>A (NM_001190458.2).
Identifiers: ClinVar variation 674214 (VCV000674214.4), dbSNP rs2297078, ClinGen allele CA4958441.

ClinVar aggregate classification (germline): Benign. Review status: criteria provided, multiple submitters, no conflicts (2 of 4 stars). 3 submissions from 3 submitters: Benign (3). Last evaluated 2023-11-12.

Allele frequency attached by ClinVar (database versions not stated): ESP Exome Variant Server 0.10434; 1000 Genomes Project 0.18870; 1000 Genomes Project 30x 0.19488; gnomAD exomes 0.20336; ExAC 0.20622; gnomAD 0.21115 and 0.21170; TOPMed 0.21360.
gnomAD v4.1: 356,079 of 1,612,762 alleles (22%); highest among the groups gnomAD compares: Middle Eastern, 25%; 40,382 homozygotes.

Submissions (3):

Unidad de Genómica Garrahan, Hospital de Pediatría Garrahan
Classification: Benign. Last evaluated: 2023-11-12. Review status: criteria provided, single submitter. Criteria: ACMG Guidelines, 2015. Collection method: clinical testing. Allele origin: germline. Affected: no. Observed: 33 variant alleles.
Comment: This variant is classified as Benign based on local population frequency. This variant was detected in 34% of patients studied by a panel of primary immunodeficiencies. Number of patients: 33. Only high quality variants are reported.

GeneDx
Classification: Benign. Last evaluated: 2018-06-14. Review status: criteria provided, single submitter. Criteria: GeneDx Variant Classification (06012015). Collection method: clinical testing. Allele origin: germline. Affected: yes.
Comment: This variant is considered likely benign or benign based on one or more of the following criteria: it is a conservative change, it occurs at a poorly conserved position in the protein, it is predicted to be benign by multiple in silico algorithms, and/or has population frequency not consistent with disease.

Breakthrough Genomics
Classification: Benign. Review status: criteria provided, single submitter. Criteria: ACMG Guidelines, 2015. Collection method: not provided. Allele origin: germline. Inheritance: Autosomal recessive inheritance. Affected: yes.